The following is an entry in ClinVar:

NM_004360.5(CDH1):c.65G>A (p.Cys22Tyr)

Gene: CDH1 (cadherin 1; plus strand). Cytogenetic location: 16q22.1.
Variant type: single nucleotide variant.
Coding change: c.65G>A on transcript NM_004360.5 (MANE Select); coding-DNA position 65, G replaced by A.
Protein change: p.Cys22Tyr; replaces cysteine 22 with tyrosine.
Molecular consequence: missense variant. On other transcripts: 5 prime UTR variant (2).
Genome position (GRCh38, 1-based): chr16:68,738,313, G>A. VCF-style: chr16-68738313-G-A. GRCh37 (hg19) VCF-style: chr16-68772216-G-A.
Other names: c.65G>A, p.Cys22Tyr (NM_001317184.2); c.-1551G>A (NM_001317185.2); c.-1755G>A (NM_001317186.2); c.65G>A (LRG_301t1); short protein forms C22Y.
Identifiers: ClinVar variation 479510 (VCV000479510.17), dbSNP rs1555509758, ClinGen allele CA396451671.
Genomic context (GRCh38, chr16:68,738,313, plus strand): 5'-ACCCTCCGAGTCACCCGGTTCCATCTACCTTTCCCCCACCCCAGGTCTCCTCTTGGCTCT[G>A]CCAGGAGCCGGAGCCCTGCCACCCTGGCTTTGACGCCGAGAGCTACACGTTCACGGTGCC-3'
Protein context (NP_004351.1, residues 12-32): LLLLQVSSWL[Cys22Tyr]QEPEPCHPGF

ClinVar aggregate classification (germline): Uncertain significance. Review status: criteria provided, multiple submitters, no conflicts (2 of 4 stars). 3 submissions from 3 submitters: Uncertain significance (3). Last evaluated 2023-12-04.

Conditions:
Hereditary cancer-predisposing syndrome. Also called: Tumor predisposition; Neoplastic Syndromes, Hereditary; Hereditary Cancer Syndrome; Hereditary neoplastic syndrome. Identifiers: Orphanet 140162, MedGen C0027672, MeSH D009386, MONDO:0015356.
Hereditary diffuse gastric adenocarcinoma (HDGC). Also called: DIFFUSE GASTRIC AND LOBULAR BREAST CANCER SYNDROME. Identifiers: Orphanet 26106, MedGen C1708349, MONDO:0007648, OMIM 137215.

Allele frequency attached by ClinVar (database versions not stated): gnomAD exomes below 0.00001.
gnomAD v4.1: 1 of 1,551,032 alleles (0.000064%); highest among the groups gnomAD compares: Non-Finnish European, 0.000087%; no homozygotes.

Submissions (3):

Color Diagnostics, LLC DBA Color Health
Classification: Uncertain significance for Hereditary cancer-predisposing syndrome. Last evaluated: 2023-12-04. Review status: criteria provided, single submitter. Criteria: ACMG Guidelines, 2015. Collection method: clinical testing. Allele origin: germline.
Comment: This missense variant replaces cysteine with tyrosine at codon 22 of the CDH1 protein. To our knowledge, functional studies have not been reported for this variant. This variant has not been reported in individuals affected with CDH1-related disorders in the literature. This variant has not been identified in the general population by the Genome Aggregation Database (gnomAD). The available evidence is insufficient to determine the role of this variant in disease conclusively. Therefore, this variant is classified as a Variant of Uncertain Significance.

Labcorp Genetics (formerly Invitae), Labcorp
Classification: Uncertain significance for Hereditary diffuse gastric adenocarcinoma. Last evaluated: 2019-10-22. Review status: criteria provided, single submitter. Criteria: Invitae Variant Classification Sherloc (09022015). Collection method: clinical testing. Allele origin: germline.
Comment: In summary, the available evidence is currently insufficient to determine the role of this variant in disease. Therefore, it has been classified as a Variant of Uncertain Significance. Algorithms developed to predict the effect of missense changes on protein structure and function are either unavailable or do not agree on the potential impact of this missense change (SIFT: "Tolerated"; PolyPhen-2: "Possibly Damaging"; Align-GVGD: "Class C0"). This variant has not been reported in the literature in individuals with CDH1-related conditions. ClinVar contains an entry for this variant (Variation ID: 479510). This variant is not present in population databases (ExAC no frequency). This sequence change replaces cysteine with tyrosine at codon 22 of the CDH1 protein (p.Cys22Tyr). The cysteine residue is moderately conserved and there is a large physicochemical difference between cysteine and tyrosine.

Ambry Genetics
Classification: Uncertain significance for Hereditary cancer-predisposing syndrome. Last evaluated: 2016-10-11. Review status: criteria provided, single submitter. Criteria: Ambry Variant Classification Scheme 2023. Collection method: clinical testing. Allele origin: germline.
Comment: The p.C22Y variant (also known as c.65G>A), located in coding exon 2 of the CDH1 gene, results from a G to A substitution at nucleotide position 65. The cysteine at codon 22 is replaced by tyrosine, an amino acid with highly dissimilar properties. This variant was not reported in population based cohorts in the following databases: Database of Single Nucleotide Polymorphisms (dbSNP), NHLBI Exome Sequencing Project (ESP), and 1000 Genomes Project. In the ESP, this variant was not observed in 5061 samples (10122 alleles) with coverage at this position. To date, this alteration has been detected with an allele frequency of approximately 0.0004% (greater than 240000 alleles tested) in our clinical cohort. This amino acid position is highly conserved in available vertebrate species. In addition, the in silico prediction for this alteration is inconclusive. Since supporting evidence is limited at this time, the clinical significance of this alteration remains unclear.